The following is an entry in ClinVar:

ClinVar aggregate classification (germline): Uncertain significance (1 of 4 stars; one submission).

Conditions:
Eichsfeld type congenital muscular dystrophy (CMYO3). Also called: MYOPATHY, SEPN1-RELATED; Rigid spine muscular dystrophy 1; SELENON-related myopathy; Congenital myopathy 3 with rigid spine. Identifiers: MedGen C0410180, MONDO:0100100, OMIM 602771.

Allele frequency attached by ClinVar (database versions not stated): TOPMed 0.00002.
gnomAD v4.1: 52 of 1,613,616 alleles (0.0032%); highest among the groups gnomAD compares: Non-Finnish European, 0.0042%; no homozygotes.

Submission:

Labcorp Genetics (formerly Invitae), Labcorp
Classification: Uncertain significance for Eichsfeld type congenital muscular dystrophy. Last evaluated: 2022-07-25. Review status: criteria provided, single submitter. Criteria: Invitae Variant Classification Sherloc (09022015). Collection method: clinical testing. Allele origin: germline.
Comment: The frequency data for this variant in the population databases is considered unreliable, as metrics indicate poor data quality at this position in the gnomAD database. In summary, the available evidence is currently insufficient to determine the role of this variant in disease. Therefore, it has been classified as a Variant of Uncertain Significance. Variants that disrupt the consensus splice site are a relatively common cause of aberrant splicing (PMID: 17576681, 9536098). Algorithms developed to predict the effect of sequence changes on RNA splicing suggest that this variant is not likely to affect RNA splicing. ClinVar contains an entry for this variant (Variation ID: 941541). This variant has not been reported in the literature in individuals affected with SELENON-related conditions. This sequence change falls in intron 8 of the SELENON gene. It does not directly change the encoded amino acid sequence of the SELENON protein. It affects a nucleotide within the consensus splice site.

Literature cited by the submitters: PubMed 17576681; PubMed 9536098.

NM_206926.2(SELENON):c.990+6C>T

Gene: SELENON (selenoprotein N; plus strand). Cytogenetic location: 1p36.11.
Variant type: single nucleotide variant.
Coding change: c.990+6C>T on transcript NM_206926.2 (MANE Select); 6 bases into the intron after coding-DNA position 990, C replaced by T.
Molecular consequence: intron variant.
Genome position (GRCh38, 1-based): chr1:25,811,541, C>T. VCF-style: chr1-25811541-C-T. GRCh37 (hg19) VCF-style: chr1-26138032-C-T.
Other names: c.1092+6C>T (NM_020451.3).
Identifiers: ClinVar variation 941541 (VCV000941541.8), dbSNP rs148071754, ClinGen allele CA696738.